The following is an entry in ClinVar:

ClinVar aggregate classification (germline): Uncertain significance. Review status: criteria provided, multiple submitters, no conflicts (2 of 4 stars). 2 submissions from 2 submitters: Uncertain significance (2). Last evaluated 2025-04-12.

Conditions:
Inborn genetic diseases. Identifiers: MedGen C0950123, MeSH D030342.

Allele frequency attached by ClinVar (database versions not stated): gnomAD exomes below 0.00001.
gnomAD v4.1: 7 of 1,614,226 alleles (0.00043%); highest among the groups gnomAD compares: South Asian, 0.0066%; no homozygotes.

Submissions (2):

Labcorp Genetics (formerly Invitae), Labcorp
Classification: Uncertain significance. Last evaluated: 2025-04-12. Review status: criteria provided, single submitter. Criteria: Invitae Variant Classification Sherloc (09022015). Collection method: clinical testing. Allele origin: germline.
Comment: This sequence change replaces methionine, which is neutral and non-polar, with leucine, which is neutral and non-polar, at codon 299 of the TNFRSF11B protein (p.Met299Leu). This variant is present in population databases (no rsID available, gnomAD 0.006%). This variant has not been reported in the literature in individuals affected with TNFRSF11B-related conditions. ClinVar contains an entry for this variant (Variation ID: 3180235). Invitae Evidence Modeling of protein sequence and biophysical properties (such as structural, functional, and spatial information, amino acid conservation, physicochemical variation, residue mobility, and thermodynamic stability) indicates that this missense variant is not expected to disrupt TNFRSF11B protein function with a negative predictive value of 80%. In summary, the available evidence is currently insufficient to determine the role of this variant in disease. Therefore, it has been classified as a Variant of Uncertain Significance.

Ambry Genetics
Classification: Uncertain significance for Inborn genetic diseases. Last evaluated: 2023-09-23. Review status: criteria provided, single submitter. Criteria: Ambry Variant Classification Scheme 2023. Collection method: clinical testing. Allele origin: germline.

NM_002546.4(TNFRSF11B):c.895A>T (p.Met299Leu)

Gene: TNFRSF11B (TNF receptor superfamily member 11b; minus strand). Cytogenetic location: 8q24.12.
Variant type: single nucleotide variant.
Coding change: c.895A>T on transcript NM_002546.4 (MANE Select); coding-DNA position 895, A replaced by T.
Protein change: p.Met299Leu; replaces methionine 299 with leucine.
Molecular consequence: missense variant.
Genome position (GRCh38, 1-based): chr8:118,924,685, T>A on the plus strand (A>T on the coding strand, the complement: TNFRSF11B is on the minus strand). VCF-style: chr8-118924685-T-A. GRCh37 (hg19) VCF-style: chr8-119936924-T-A.
Other names: short protein forms M299L.
Identifiers: ClinVar variation 3180235 (VCV003180235.2), dbSNP rs878963228, ClinGen allele CA184863329.